The following is an entry in ClinVar:

NM_001267550.2(TTN):c.49709del (p.Arg16569_Leu16570insTer)

Genes: TTN (titin; minus strand), TTN-AS1 (TTN antisense RNA 1; plus strand). Cytogenetic location: 2q31.2.
Variant type: Deletion.
Coding change: c.49709del on transcript NM_001267550.2 (MANE Select); coding-DNA position 49709, one base deleted (T; older notation c.49709delT).
Protein change: p.Arg16569_Leu16570insTer.
Molecular consequence: nonsense.
Genome position (GRCh38, 1-based): chr2:178,613,012, A deleted on the plus strand (T on the coding strand, the reverse complement: TTN is on the minus strand); the first of 2 consecutive A bases (chr2:178,613,012-178,613,013); deleting either gives the same sequence. VCF-style (leftmost placement, unchanged base first): chr2-178613011-CA-C. GRCh37 (hg19) VCF-style: chr2-179477738-CA-C.
Other names: c.44786del, p.Arg14928_Leu14929insTer (NM_001256850.1); c.22514del, p.Arg7504_Leu7505insTer (NM_003319.4); c.42005del, p.Arg14001_Leu14002insTer (NM_133378.4); c.22889del, p.Arg7629_Leu7630insTer (NM_133432.3); c.23090del, p.Arg7696_Leu7697insTer (NM_133437.4).
Identifiers: ClinVar variation 4784077 (VCV004784077.1).
Genomic context (GRCh38, chr2:178,613,011, plus strand): 5'-CATTTCAATGACATAAGACTCAATCTTTGCACCTCCATCATGTTCTGGTTTTGTCCAATT[CA>C]ACCTTACTGATGTTTTGCCTACATCTTTTACAGTTGGTTTTCCAGGGGGCCATGGAGGAT-3'

ClinVar aggregate classification (germline): Likely pathogenic (1 of 4 stars; one submission).

Conditions:
Dilated cardiomyopathy 1G (CMD1G). Identifiers: Orphanet 154, MedGen C1858763, MONDO:0011400, OMIM 604145.
Autosomal recessive limb-girdle muscular dystrophy type 2J (LGMDR10). Also called: Limb-girdle muscular dystrophy, type 2J; MUSCULAR DYSTROPHY, LIMB-GIRDLE, AUTOSOMAL RECESSIVE 10. Identifiers: Orphanet 140922, MedGen C1837342, MONDO:0012127, OMIM 608807.

Submission:

Labcorp Genetics (formerly Invitae), Labcorp
Classification: Likely pathogenic for Dilated cardiomyopathy 1G; Autosomal recessive limb-girdle muscular dystrophy type 2J. Last evaluated: 2025-02-06. Review status: criteria provided, single submitter. Criteria: Invitae Variant Classification Sherloc (09022015). Collection method: clinical testing. Allele origin: germline.
Comment: This sequence change creates a premature translational stop signal (p.Leu16570*) in the TTN gene. While this is not anticipated to result in nonsense mediated decay, it is expected to create a truncated TTN protein. This variant is not present in population databases (gnomAD no frequency). This variant has not been reported in the literature in individuals affected with TTN-related conditions. This variant is located in the A band of TTN (PMID: 25589632). Truncating variants in this region are significantly overrepresented in patients affected with dilated cardiomyopathy (PMID: 25589632). Truncating variants in this region have also been reported in individuals affected with autosomal recessive centronuclear myopathy (PMID: 23975875). In summary, the currently available evidence indicates that the variant is pathogenic, but additional data are needed to prove that conclusively. Therefore, this variant has been classified as Likely Pathogenic.

Literature cited by the submitters: PubMed 25589632; PubMed 23975875.